The following is an entry in ClinVar:

ClinVar aggregate classification (germline): Likely benign. Review status: criteria provided, multiple submitters, no conflicts (2 of 4 stars). 4 submissions from 4 submitters: Likely benign (3). 1 of the submissions does not count toward it. Last evaluated 2025-12-09.

Conditions:
PRICKLE1-related disorder. Also called: PRICKLE1-related condition; PRICKLE1-Related Disorders. Identifiers: MedGen CN381536.
Epilepsy, progressive myoclonic, 1B. Also called: PME. Identifiers: Orphanet 308, MedGen C2676254, MONDO:0012904, OMIM 612437.

Allele frequency attached by ClinVar (database versions not stated): ExAC 0.00007; ESP Exome Variant Server 0.00015; gnomAD 0.00026 and 0.00027; TOPMed 0.00026; 1000 Genomes Project 30x 0.00047; 1000 Genomes Project 0.00060.
gnomAD v4.1: 123 of 1,570,394 alleles (0.0078%); highest among the groups gnomAD compares: African/African-American, 0.1%; no homozygotes.

Submissions (4):

Labcorp Genetics (formerly Invitae), Labcorp
Classification: Likely benign for Epilepsy, progressive myoclonic, 1B. Last evaluated: 2025-12-09. Review status: criteria provided, single submitter. Criteria: Invitae Variant Classification Sherloc (09022015). Collection method: clinical testing. Allele origin: germline.

Ambry Genetics
Classification: Likely benign. Last evaluated: 2020-10-08. Review status: criteria provided, single submitter. Criteria: Ambry Variant Classification Scheme 2023. Collection method: clinical testing. Allele origin: germline.

GeneDx
Classification: Likely benign. Last evaluated: 2018-06-21. Review status: criteria provided, single submitter. Criteria: GeneDx Variant Classification Process June 2021. Collection method: clinical testing. Allele origin: germline. Affected: yes.

PreventionGenetics, part of Exact Sciences
Classification: Likely benign for PRICKLE1-related condition. Last evaluated: 2022-09-19. Review status: no assertion criteria provided. Collection method: clinical testing. Allele origin: germline. Not counted in ClinVar's aggregate classification.
Comment: This variant is classified as likely benign based on ACMG/AMP sequence variant interpretation guidelines (Richards et al. 2015 PMID: 25741868, with internal and published modifications).

NM_153026.3(PRICKLE1):c.915G>A (p.Thr305=)

Genes: PRICKLE1 (prickle planar cell polarity protein 1; minus strand), LOC126861509 (BRD4-independent group 4 enhancer GRCh37_chr12:42858567-42859766; plus strand). Cytogenetic location: 12q12.
Variant type: single nucleotide variant.
Coding change: c.915G>A on transcript NM_153026.3 (MANE Select); coding-DNA position 915, G replaced by A.
Protein change: p.Thr305=; no amino-acid change (threonine 305 retained).
Molecular consequence: synonymous variant.
Genome position (GRCh38, 1-based): chr12:42,465,119, C>T on the plus strand (G>A on the coding strand, the complement: PRICKLE1 is on the minus strand). VCF-style: chr12-42465119-C-T. GRCh37 (hg19) VCF-style: chr12-42858921-C-T.
Other names: c.915G>A, p.Thr305= (NM_001144881.2, NM_001144882.2, NM_001144883.2).
Identifiers: ClinVar variation 381989 (VCV000381989.15), dbSNP rs150052192, ClinGen allele CA6519818.